The following is an entry in ClinVar:

ClinVar aggregate classification (germline): Uncertain significance (1 of 4 stars; one submission).

Conditions:
Ataxia-telangiectasia syndrome (AT). Also called: Cerebello-oculocutaneous telangiectasia; ATAXIA-TELANGIECTASIA, COMPLEMENTATION GROUP A; ATAXIA-TELANGIECTASIA, FRESNO VARIANT; Ataxia-telangiectasia, complementation group D; AT, COMPLEMENTATION GROUP C; Immunodeficiency with ataxia telangiectasia. Identifiers: Orphanet 100, MedGen C0004135, MONDO:0008840, OMIM 208900.

Submission:

Labcorp Genetics (formerly Invitae), Labcorp
Classification: Uncertain significance for Ataxia-telangiectasia syndrome. Last evaluated: 2022-08-22. Review status: criteria provided, single submitter. Criteria: Invitae Variant Classification Sherloc (09022015). Collection method: clinical testing. Allele origin: germline.
Comment: This variant has not been reported in the literature in individuals affected with ATM-related conditions. In summary, the available evidence is currently insufficient to determine the role of this variant in disease. Therefore, it has been classified as a Variant of Uncertain Significance. Advanced modeling of protein sequence and biophysical properties (such as structural, functional, and spatial information, amino acid conservation, physicochemical variation, residue mobility, and thermodynamic stability) performed at Invitae indicates that this missense variant is not expected to disrupt ATM protein function. This variant is not present in population databases (gnomAD no frequency). This sequence change replaces leucine, which is neutral and non-polar, with proline, which is neutral and non-polar, at codon 701 of the ATM protein (p.Leu701Pro).

NM_000051.4(ATM):c.2102T>C (p.Leu701Pro)

Gene: ATM (ATM serine/threonine kinase; plus strand). Cytogenetic location: 11q22.3.
Variant type: single nucleotide variant.
Coding change: c.2102T>C on transcript NM_000051.4 (MANE Select); coding-DNA position 2102, T replaced by C.
Protein change: p.Leu701Pro; replaces leucine 701 with proline.
Molecular consequence: missense variant.
Genome position (GRCh38, 1-based): chr11:108,254,017, T>C. VCF-style: chr11-108254017-T-C. GRCh37 (hg19) VCF-style: chr11-108124744-T-C.
Other names: c.2102T>C, p.Leu701Pro (NM_001351834.2); short protein forms L701P.
Identifiers: ClinVar variation 1717643 (VCV001717643.5), dbSNP rs2135371490, ClinGen allele CA382537688.